The following is an entry in ClinVar:

ClinVar aggregate classification (germline): Uncertain significance. Review status: criteria provided, multiple submitters, no conflicts (2 of 4 stars). 2 submissions from 2 submitters: Uncertain significance (2). Last evaluated 2024-11-11.

Allele frequency attached by ClinVar (database versions not stated): gnomAD exomes 0.00007; ESP Exome Variant Server 0.00015.
gnomAD v4.1: 111 of 1,609,744 alleles (0.0069%); highest among the groups gnomAD compares: Non-Finnish European, 0.0087%; no homozygotes.

Submissions (2):

Ambry Genetics
Classification: Uncertain significance. Last evaluated: 2024-11-11. Review status: criteria provided, single submitter. Criteria: Ambry Variant Classification Scheme 2023. Collection method: clinical testing. Allele origin: germline.

Labcorp Genetics (formerly Invitae), Labcorp
Classification: Uncertain significance. Last evaluated: 2022-06-13. Review status: criteria provided, single submitter. Criteria: Invitae Variant Classification Sherloc (09022015). Collection method: clinical testing. Allele origin: germline.
Comment: In summary, the available evidence is currently insufficient to determine the role of this variant in disease. Therefore, it has been classified as a Variant of Uncertain Significance. Algorithms developed to predict the effect of missense changes on protein structure and function are either unavailable or do not agree on the potential impact of this missense change (SIFT: "Tolerated"; PolyPhen-2: "Possibly Damaging"; Align-GVGD: "Class C0"). This variant has not been reported in the literature in individuals affected with PALM-related conditions. This variant is present in population databases (rs145499551, gnomAD 0.007%). This sequence change replaces alanine, which is neutral and non-polar, with serine, which is neutral and polar, at codon 348 of the PALM protein (p.Ala348Ser).

NM_002579.3(PALM):c.1042G>T (p.Ala348Ser)

Gene: PALM (paralemmin; plus strand). Cytogenetic location: 19p13.3.
Variant type: single nucleotide variant.
Coding change: c.1042G>T on transcript NM_002579.3 (MANE Select); coding-DNA position 1042, G replaced by T.
Protein change: p.Ala348Ser; replaces alanine 348 with serine.
Molecular consequence: missense variant.
Genome position (GRCh38, 1-based): chr19:746,692, G>T. VCF-style: chr19-746692-G-T. GRCh37 (hg19) VCF-style: chr19-746692-G-T.
Other names: c.910G>T, p.Ala304Ser (NM_001040134.2); short protein forms A304S, A348S.
Identifiers: ClinVar variation 1897394 (VCV001897394.7), dbSNP rs145499551, ClinGen allele CA9022856.